The following is an entry in ClinVar:

ClinVar aggregate classification (germline): Uncertain significance (1 of 4 stars; one submission).

Conditions:
Pleuropulmonary blastoma (PPB). Identifiers: Orphanet 64742, MedGen C1266144, MONDO:0011014, OMIM 601200, HP:0100528.

Submission:

St. Jude Molecular Pathology, St. Jude Children's Research Hospital
Classification: Uncertain significance for Pleuropulmonary blastoma. Last evaluated: 2023-03-21. Review status: criteria provided, single submitter. Criteria: St. Jude Assertion Criteria 2020. Collection method: clinical testing. Allele origin: germline.
Comment: The DICER1 c.1908-138_2804+645del variant is a gross deletion of the genomic region encompassing exons 12-17 of the DICER1 gene. The 5' end is likely confined to intron 11. The 3’ end of this event is likely confined to intron 17. The deletion is expected to be in-frame and the functional impact is unknown. In summary, the evidence currently available is insufficient to determine the clinical significance of this variant. It has therefore been classified as of uncertain significance.

NM_177438.3(DICER1):c.1908-138_2804+645del

Gene: DICER1 (dicer 1, ribonuclease III; minus strand). Cytogenetic location: 14q32.13.
Variant type: Deletion.
Coding change: c.1908-138_2804+645del on transcript NM_177438.3 (MANE Select); 138 bases into the intron before coding-DNA position 1908 through 645 bases into the intron after coding-DNA position 2804, 6,400 bases deleted.
Molecular consequence: splice acceptor variant, splice donor variant.
Genome position (GRCh38, 1-based): chr14:95,106,963-95,113,362, 6,400 bases deleted. GRCh37 (hg19): chr14:95,573,301-95,579,700.
Other names: c.1908-138_2804+645del (NM_001291628.2, NM_030621.4, NM_001395677.1 and 12 more transcripts); c.1503-138_2399+645del (NM_001395690.1, NM_001395687.1, NM_001395689.1 and 2 more transcripts); c.1626-138_2522+645del (NM_001395686.1); c.1341-138_2237+645del (NM_001395691.1); c.225-138_1121+645del (NM_001395697.1).
Identifiers: ClinVar variation 2503520 (VCV002503520.1), ClinGen allele CA2580613755.